The following is an entry in ClinVar:

NM_016111.4(TELO2):c.2291+5G>A

Gene: TELO2 (telomere maintenance 2; plus strand). Cytogenetic location: 16p13.3.
Variant type: single nucleotide variant.
Coding change: c.2291+5G>A on transcript NM_016111.4 (MANE Select); 5 bases into the intron after coding-DNA position 2291, G replaced by A.
Molecular consequence: intron variant.
Genome position (GRCh38, 1-based): chr16:1,507,375, G>A. VCF-style: chr16-1507375-G-A. GRCh37 (hg19) VCF-style: chr16-1557376-G-A.
Other names: c.2291+5G>A (NM_001351846.2).
Identifiers: ClinVar variation 2121398 (VCV002121398.4), dbSNP rs2505993883, ClinGen allele CA2575868933.
Genomic context (GRCh38, chr16:1,507,375, plus strand): 5'-GCCATGGGCAAGGCCCTGCTGGAATTCGTGTGGGCCCTTCGCTTCCACATCGATGCGTGA[G>A]TGGCCTGTGGGGCTGGGCCAGGCCAGGGGTGCAGGCAGACACAGGGGTCTTATTGTGGGG-3'

ClinVar aggregate classification (germline): Uncertain significance (1 of 4 stars; one submission).

Allele frequency attached by ClinVar (database versions not stated): gnomAD exomes below 0.00001.
gnomAD v4.1: 5 of 1,610,316 alleles (0.00031%); highest among the groups gnomAD compares: Non-Finnish European, 0.00025%; no homozygotes.

Submission:

Labcorp Genetics (formerly Invitae), Labcorp
Classification: Uncertain significance. Last evaluated: 2025-06-30. Review status: criteria provided, single submitter. Criteria: Invitae Variant Classification Sherloc (09022015). Collection method: clinical testing. Allele origin: germline.
Comment: This sequence change falls in intron 19 of the TELO2 gene. It does not directly change the encoded amino acid sequence of the TELO2 protein. It affects a nucleotide within the consensus splice site. This variant is not present in population databases (gnomAD no frequency). This variant has not been reported in the literature in individuals affected with TELO2-related conditions. ClinVar contains an entry for this variant (Variation ID: 2121398). Variants that disrupt the consensus splice site are a relatively common cause of aberrant splicing (PMID: 17576681, 9536098). Algorithms developed to predict the effect of sequence changes on RNA splicing suggest that this variant may disrupt the consensus splice site. In summary, the available evidence is currently insufficient to determine the role of this variant in disease. Therefore, it has been classified as a Variant of Uncertain Significance.

Literature cited by the submitters: PubMed 17576681; PubMed 9536098.